The following is an entry in ClinVar:

NM_000110.4(DPYD):c.3067C>T (p.Pro1023Ser)

Gene: DPYD (dihydropyrimidine dehydrogenase; minus strand). Cytogenetic location: 1p21.3.
Variant type: single nucleotide variant.
Coding change: c.3067C>T on transcript NM_000110.4 (MANE Select); coding-DNA position 3067, C replaced by T.
Protein change: p.Pro1023Ser; replaces proline 1023 with serine.
Molecular consequence: missense variant.
Genome position (GRCh38, 1-based): chr1:97,078,987, G>A on the plus strand (C>T on the coding strand, the complement: DPYD is on the minus strand). VCF-style: chr1-97078987-G-A. GRCh37 (hg19) VCF-style: chr1-97544543-G-A.
Other names: short protein forms P1023S.
Identifiers: ClinVar variation 876925 (VCV000876925.11), dbSNP rs114096998, ClinGen allele CA962863.

ClinVar aggregate classification (germline): Uncertain significance. Review status: criteria provided, multiple submitters, no conflicts (2 of 4 stars). 5 submissions from 5 submitters: Uncertain significance (5). Last evaluated 2026-03-09.

Conditions:
Dihydropyrimidine dehydrogenase deficiency (DPYDD). Also called: Hereditary Thymine-Uraciluria; DPD DEFICIENCY; DPYD DEFICIENCY. Identifiers: Orphanet 1675, MedGen C1959620, MONDO:0010130, OMIM 274270.
Inborn genetic diseases. Identifiers: MedGen C0950123, MeSH D030342.

Allele frequency attached by ClinVar (database versions not stated): 1000 Genomes Project 30x 0.00062; 1000 Genomes Project 0.00080.
gnomAD v4.1: 155 of 1,613,558 alleles (0.0096%); highest among the groups gnomAD compares: Middle Eastern, 0.3%; no homozygotes.

Submissions (5):

Women's Health and Genetics/Laboratory Corporation of America, LabCorp
Classification: Uncertain significance. Last evaluated: 2026-03-09. Review status: criteria provided, single submitter. Criteria: LabCorp Variant Classification Summary - May 2015. Collection method: clinical testing. Allele origin: germline.
Comment: Variant summary: DPYD c.3067C>T (p.Pro1023Ser) results in a non-conservative amino acid change in the encoded protein sequence. Three of five in-silico tools predict a damaging effect of the variant on protein function. The variant allele was found at a frequency of 0.00011 in 251006 control chromosomes. This frequency is not significantly higher than expected for a pathogenic variant in DPYD causing Dihydropyrimidine Dehydrogenase Deficiency (0.00011 vs 0.0025), allowing no conclusion about variant significance. c.3067C>T has been reported in the literature as a compound heterozygous genotype (with c.2911_2912insA, p.I971Nfs) in at-least one individual among a cohort of 588 individuals of Somali or Kenyan ancestry (example, Elraiyah_2017). However, it is not specified whether this individual experienced toxicity to 5-Fluorouracil (5-FU). Therefore, this report does not provide unequivocal conclusions about association of the variant with Dihydropyrimidine Dehydrogenase Deficiency. Multiple publications report experimental evidence evaluating an impact on protein function. The most pronounced variant effect results in >50%-90% of normal DPYD enzyme activity (example Shreshta_2018, Elraiyah_2017 cited by Hishinuma_2020), while at-least one publication reports normal DPYD enzyme activity (Seck_2005). Additionally several publication cite this variant among DPYD polymorphisms associated with a normal activity (example, Ezzeldin_2003 and Yoshida_2015). One clinical diagnostic laboratory has submitted clinical-significance assessments for this variant to ClinVar after 2014 without evidence for independent evaluation and classified the variant as uncertain significance. Based on the evidence outlined above, the variant was classified as uncertain significance.

Ambry Genetics
Classification: Uncertain significance for Inborn genetic diseases. Last evaluated: 2024-10-25. Review status: criteria provided, single submitter. Criteria: Ambry Variant Classification Scheme 2023. Collection method: clinical testing. Allele origin: germline.
Comment: Elraiyah, 2017; Seck, 2005; Yoshida, 2015 Based on insufficient or conflicting evidence, the clinical significance of this alteration remains unclear.

Blueprint Genetics
Classification: Uncertain significance. Last evaluated: 2024-09-24. Review status: criteria provided, single submitter. Criteria: ACMG Guidelines, 2015. Collection method: clinical testing. Allele origin: germline.

Genome-Nilou Lab
Classification: Uncertain significance for Dihydropyrimidine dehydrogenase deficiency. Last evaluated: 2023-04-11. Review status: criteria provided, single submitter. Criteria: ACMG Guidelines, 2015. Collection method: clinical testing. Allele origin: germline. Affected: no.

Illumina Laboratory Services, Illumina
Classification: Uncertain significance for Dihydropyrimidine dehydrogenase deficiency. Last evaluated: 2017-04-27. Review status: criteria provided, single submitter. Criteria: ICSL Variant Classification Criteria 13 December 2019. Collection method: clinical testing. Allele origin: germline.
Comment: This variant was observed as part of a predisposition screen in an ostensibly healthy population. A literature search was performed for the gene, cDNA change, and amino acid change (where applicable). Publications were found based on this search. However, the evidence from the literature, in combination with allele frequency data from public databases where available, was not sufficient to rule this variant in or out of causing disease. Therefore, this variant is classified as a variant of unknown significance.

Literature cited by the submitters: PubMed 16115930 (cited by 3 submitters); PubMed 21919607 (cited by Women's Health and Genetics/Laboratory Corporation of America, LabCorp); PubMed 32707991 (cited by Women's Health and Genetics/Laboratory Corporation of America, LabCorp); PubMed 26254383 (cited by Women's Health and Genetics/Laboratory Corporation of America, LabCorp and Ambry Genetics); PubMed 12912951 (cited by Women's Health and Genetics/Laboratory Corporation of America, LabCorp); PubMed 27727460 (cited by 3 submitters); PubMed 29327356 (cited by Women's Health and Genetics/Laboratory Corporation of America, LabCorp); PubMed 21833589 (cited by Illumina Laboratory Services, Illumina); PubMed 19287123 (cited by Illumina Laboratory Services, Illumina).